The following is an entry in ClinVar:

NM_145290.4(ADGRA3):c.2088A>G (p.Gly696=)

Gene: ADGRA3 (adhesion G protein-coupled receptor A3; minus strand). Cytogenetic location: 4p15.2.
Variant type: single nucleotide variant.
Coding change: c.2088A>G on transcript NM_145290.4 (MANE Select); coding-DNA position 2088, A replaced by G.
Protein change: p.Gly696=; no amino-acid change (glycine 696 retained).
Molecular consequence: synonymous variant.
Genome position (GRCh38, 1-based): chr4:22,413,326, T>C on the plus strand (A>G on the coding strand, the complement: ADGRA3 is on the minus strand). VCF-style: chr4-22413326-T-C. GRCh37 (hg19) VCF-style: chr4-22414949-T-C.
Other names: c.2088A>G (NM_145290.3).
Identifiers: ClinVar variation 1624467 (VCV001624467.10), dbSNP rs199790923, ClinGen allele CA2873738.
Genomic context (GRCh38, chr4:22,413,326, plus strand): 5'-CTTCCAGCCTCCTTGTCCGTTCAGCAAATCGAAATCCCACCGGGCTGCAACAGCATCTGC[T>C]CCATGTGCAATTCGACGCAGTGTCACATTAACAGGGATGTGGTGGGTATCTACATTCACA-3'
Protein context (NP_660333.2, residues 686-706): VNVTLRRIAH[Gly696=]ADAVAARWDF

ClinVar aggregate classification (germline): Likely benign. Review status: criteria provided, single submitter (1 of 4 stars). 2 submissions from 2 submitters: Likely benign (1). 1 of the submissions does not count toward it. Last evaluated 2025-10-19.

Conditions:
ADGRA3-related disorder. Also called: ADGRA3-related condition.

Allele frequency attached by ClinVar (database versions not stated): gnomAD exomes 0.00001 and 0.00006; ExAC 0.00004; ESP Exome Variant Server 0.00008; TOPMed 0.00010; gnomAD 0.00011 and 0.00012; 1000 Genomes Project 30x 0.00031; 1000 Genomes Project 0.00040.
gnomAD v4.1: 33 of 1,614,124 alleles (0.002%); highest among the groups gnomAD compares: African/African-American, 0.027%; no homozygotes.

Submissions (2):

Labcorp Genetics (formerly Invitae), Labcorp
Classification: Likely benign. Last evaluated: 2025-10-19. Review status: criteria provided, single submitter. Criteria: Invitae Variant Classification Sherloc (09022015). Collection method: clinical testing. Allele origin: germline.

PreventionGenetics, part of Exact Sciences
Classification: Likely benign for ADGRA3-related condition. Last evaluated: 2020-12-07. Review status: no assertion criteria provided. Collection method: clinical testing. Allele origin: germline. Not counted in ClinVar's aggregate classification.
Comment: This variant is classified as likely benign based on ACMG/AMP sequence variant interpretation guidelines (Richards et al. 2015 PMID: 25741868, with internal and published modifications).